The following is an entry in ClinVar:

ClinVar aggregate classification (germline): Conflicting classifications of pathogenicity. Review status: criteria provided, conflicting classifications (1 of 4 stars). 7 submissions from 7 submitters: Pathogenic (1); Uncertain significance (3). 3 of the submissions do not count toward it. Last evaluated 2026-05-19.

Conditions:
Heinz body anemia. Also called: Heinz body hemolytic anemia. Identifiers: Orphanet 178330, MedGen C0700299, MONDO:0007705, OMIM 140700, HP:0005511.
Hb SS disease (SCD). Also called: Hemoglobin SS; Sickle cell anemia; Sickle cell disease; HbS disease; Hemoglobin S Disease; Sickling disorder due to hemoglobin S. Identifiers: Orphanet 232, Orphanet 275752, MedGen C0002895, MONDO:0011382, OMIM 603903.
METHEMOGLOBINEMIA, BETA TYPE. Also called: Methemoglobinemia, beta-globin type. Identifiers: MedGen C1840779, OMIM 617971.
Hereditary persistence of fetal hemoglobin. Identifiers: MedGen C0019025, MONDO:0020989, OMIM 141749.
Beta-thalassemia HBB/LCRB. Identifiers: MedGen CN322236, MONDO:0013517, OMIM 613985.
Dominant beta-thalassemia. Also called: Beta-thalassemia, dominant inclusion body type. Identifiers: Orphanet 231226, Orphanet 848, MedGen C1858990, MONDO:0011381, OMIM 603902.
Malaria, susceptibility to. Identifiers: Orphanet 673, MedGen C1970028, MONDO:0021024, OMIM 611162.
Erythrocytosis, familial, 6. Also called: ERYTHROCYTOSIS, BETA-GLOBIN TYPE; POLYCYTHEMIA, BETA-GLOBIN TYPE. Identifiers: MedGen C4693822, MONDO:0054801, OMIM 617980.
beta Thalassemia (BTHAL). Also called: Cooley's anemia; Erythroblastic anemia; Mediterranean anemia. Identifiers: Orphanet 848, MedGen C0005283, MONDO:0019402. Disease mechanism: loss of function.
HBB-related disorder. Also called: HBB-related condition; HBB-related disorders. Identifiers: MedGen CN239378.

Allele frequency attached by ClinVar (database versions not stated): TOPMed 0.00003.

Submissions (7):

Women's Health and Genetics/Laboratory Corporation of America, LabCorp
Classification: Uncertain significance. Last evaluated: 2026-05-19. Review status: criteria provided, single submitter. Criteria: LabCorp Variant Classification Summary - May 2015. Collection method: clinical testing. Allele origin: germline.
Comment: Variant summary: HBB c.-82C>T (also described as -32C>T in the literature) is located in the untranscribed region, one nucleotide upstream to the conserved ATAAA sequence (i.e. the TATA box) therefore, it could affect gene expression. A saturation mutagenesis study reported that this variant had no significant effect on gene expression (Kircher_2019). While another study predicted that this variant changes the HBB TATA box sequence to a more canonical form (i.e. CATAAA to TATAAA) and the authors also demonstrated that the variant resulted in an increased in vitro affinity for TATA-binding protein (TBP) in electrophoretic mobility shift assay (EMSA), concluding that carriers of this variant may be susceptible to mild thalassemia because of the elevated amount of synthesized beta-chains (Ponomarenko_2020). The frequency of this variant in the general population could not be determined as the technology used for large population databases (ExAC, gnomAD, ESP, 1000G) cannot detect variants of this type. The available data on variant occurrences in the general population are insufficient to allow any conclusion about variant significance. c.-82C>T has been observed in an infant who also carried the HbS variant (c.20A>T (p.Glu7Val)) with a hemoglobin pattern suggestive of beta+ thalassemia (Eng_2007), and was also reported in individuals with abnormal hematological findings found during screening, but without specifying the exact phenotype and genotype (Hoppe_2013, Wang_2015). These data do not allow clear conclusions about association of the variant with beta-thalassemia. The following publications have been ascertained in the context of this evaluation (PMID: 17486493, 23590658, 26715484, 22122796, 31395865, 33092544, 32033288, 33734896). ClinVar contains an entry for this variant (Variation ID: 439163). Based on the evidence outlined above, the variant was classified as uncertain significance.

ARUP Laboratories, Molecular Genetics and Genomics, ARUP Laboratories
Classification: Uncertain significance. Last evaluated: 2024-07-25. Review status: criteria provided, single submitter. Criteria: ARUP Molecular Germline Variant Investigation Process 2024. Collection method: clinical testing. Allele origin: germline.
Comment: The HBB c.-82C>T variant (also known as -32 (C>T), rs34500389, HbVar ID: 2536) is reported in the literature in individuals with abnormal hematological findings, but the exact phenotype is unclear (Eng 2007, Hoppe 2013, Wang 2015). This variant is reported in ClinVar (Variation ID: 439163) and is absent from the Genome Aggregation Database, indicating it is not a common polymorphism. This variant occurs in the 5' untranslated region, one nucleotide upstream of the ATAA box of the beta globin promoter. However, in vitro assays are conflicting on the effects of the variant on TATA-binding protein affinity and gene expression (Kircher 2019, Ponomarenko 2020). Due to conflicting information, the clinical significance of the c.-82C>T variant is uncertain at this time. References: Link to HbVar database: Eng B. Three new beta-globin gene promoter mutations identified through newborn screening. Hemoglobin. 2007;31(2):129-34. PMID: 17486493. Hoppe CC. Prenatal and newborn screening for hemoglobinopathies. Int J Lab Hematol. 2013 Jun;35(3):297-305. PMID: 23590658. Kircher M et al. Saturation mutagenesis of twenty disease-associated regulatory elements at single base-pair resolution. Nat Commun. 2019 Aug 8;10(1):3583. PMID: 31395865. Ponomarenko M et al. Unannotated single nucleotide polymorphisms in the TATA box of erythropoiesis genes show in vitro positive involvements in cognitive and mental disorders. BMC Med Genet. 2020 Oct 22;21(Suppl 1):165. PMID: 33092544. Wang S et al. Mutation screening for thalassaemia in the Jino ethnic minority population of Yunnan Province, Southwest China. BMJ Open. 2015 Dec 29;5(12):e010047. PMID: 26715484.

Fulgent Genetics
Classification: Uncertain significance for Heinz body anemia; Hereditary persistence of fetal hemoglobin; Dominant beta-thalassemia; Hb SS disease; Malaria, susceptibility to; Beta-thalassemia HBB/LCRB; METHEMOGLOBINEMIA, BETA TYPE; Erythrocytosis, familial, 6. Last evaluated: 2024-04-25. Review status: criteria provided, single submitter. Criteria: ACMG Guidelines, 2015. Collection method: clinical testing. Allele origin: germline.

Quest Diagnostics Nichols Institute San Juan Capistrano
Classification: Pathogenic. Last evaluated: 2023-06-18. Review status: criteria provided, single submitter. Criteria: Quest Diagnostics criteria. Collection method: clinical testing. Allele origin: unknown.
Comment: The HBB c.-82C>T variant is located in the TATA-box in the promoter of the beta-globin gene. This variant is associated with beta(+) thalassemia, and has been observed in a screening study of individuals with hypochromic microcytic anemia and/or positive Hb profiles (PMID: 26715484 (2015)). Co-occurrence of this variant with Hb S results in a Hb S/beta+ thalassemia phenotype (PMID: 17486493 (2007)). A functional study showed this variant had near normal HBB promoter activity, however the result is inconclusive since other known deleterious variants in the promoter also showed similar activities (PMID: 31395865 (2019)). An additional study indicated this variant results in a small 1.5 fold increase in binding affinity to TATA-binding proteins, the physiological effects of which are uncertain (PMID: 33092544 (2020)). Previous names for this variant include -32 (C>T). Based on the available information, this variant is classified as pathogenic.

PreventionGenetics, part of Exact Sciences
Classification: Likely pathogenic for HBB-related condition. Last evaluated: 2024-05-29. Review status: no assertion criteria provided. Collection method: clinical testing. Allele origin: germline. Not counted in ClinVar's aggregate classification.
Comment: The HBB c.-82C>T variant is located in the 5' untranslated region. This variant was reported in an individual with beta thalassemia (Eng et al. 2007. PubMed ID: 17486493). Functional studies of this variant indicated that the expression effect on HBB was not significant, and the promoter activity was 0.96 of wildtype levels (Supplementary Table 10, Kircher et al. 2019. PubMed ID: 31395865). Of note, other variants in the promoter region of HBB have been reported in individuals with beta thalassemia (Eng et al. 2007. PubMed ID: 17486493; Ropero et al. 2017. PubMed ID: 28385923; Supplementary Table 10, Kircher et al. 2019. PubMed ID: 31395865). This variant has not been reported in a large population database, indicating it is rare. In ClinVar, this variant has conflicting interpretations including uncertain significance (3) and pathogenic (2). Taken together, we interpret this variant to be likely pathogenic.

The ITHANET community portal, The Cyprus Institute of Neurology and Genetics
Classification: Pathogenic for beta Thalassemia. Last evaluated: 2019-11-25. Review status: no assertion criteria provided. Collection method: curation. Allele origin: germline. Not counted in ClinVar's aggregate classification.

Natera, Inc.
Classification: Uncertain significance for Beta thalassemia. Last evaluated: 2017-09-26. Review status: no assertion criteria provided. Collection method: clinical testing. Allele origin: germline. Not counted in ClinVar's aggregate classification.

Literature cited by the submitters: PubMed 17486493 (cited by 3 submitters); PubMed 23590658 (cited by Women's Health and Genetics/Laboratory Corporation of America, LabCorp and Quest Diagnostics Nichols Institute San Juan Capistrano); PubMed 26715484 (cited by Women's Health and Genetics/Laboratory Corporation of America, LabCorp and Quest Diagnostics Nichols Institute San Juan Capistrano); PubMed 22122796 (cited by Women's Health and Genetics/Laboratory Corporation of America, LabCorp); PubMed 31395865 (cited by Women's Health and Genetics/Laboratory Corporation of America, LabCorp and Quest Diagnostics Nichols Institute San Juan Capistrano); PubMed 33092544 (cited by Women's Health and Genetics/Laboratory Corporation of America, LabCorp and Quest Diagnostics Nichols Institute San Juan Capistrano); PubMed 32033288 (cited by Women's Health and Genetics/Laboratory Corporation of America, LabCorp); PubMed 33734896 (cited by Women's Health and Genetics/Laboratory Corporation of America, LabCorp).

NM_000518.5(HBB):c.-82C>T

Genes: HBB (hemoglobin subunit beta; minus strand), LOC107133510 (origin of replication at HBB; plus strand), LOC106099062 (HBB recombination region; plus strand). Cytogenetic location: 11p15.4.
Variant type: single nucleotide variant.
Coding change: c.-82C>T on transcript NM_000518.5 (MANE Select); 82 bases upstream of the start codon, C replaced by T.
Genome position (GRCh38, 1-based): chr11:5,227,103, G>A on the plus strand (C>T on the coding strand, the complement: HBB is on the minus strand). VCF-style: chr11-5227103-G-A. GRCh37 (hg19) VCF-style: chr11-5248333-G-A.
Other names: -32 (C>T).
Identifiers: ClinVar variation 439163 (VCV000439163.16), dbSNP rs34500389, ClinGen allele CA217115785.